The following is an entry in ClinVar:

ClinVar aggregate classification (germline): Pathogenic (1 of 4 stars; one submission).

Conditions:
Hereditary breast ovarian cancer syndrome. Also called: Hereditary breast and ovarian cancer syndrome; Hereditary breast and/or ovarian cancer syndrome; Hereditary breast and ovarian cancer syndrome (HBOC); Hereditary breast and ovarian cancer; Breast and ovarian cancer; BRCA1- and BRCA2-Associated Hereditary Breast and Ovarian Cancer. Identifiers: Orphanet 145, MedGen C0677776, MeSH D061325, MONDO:0003582. Disease mechanism: loss of function.

Submission:

Women's Health and Genetics/Laboratory Corporation of America, LabCorp
Classification: Pathogenic for Hereditary breast and ovarian cancer syndrome. Last evaluated: 2020-03-27. Review status: criteria provided, single submitter. Criteria: LabCorp Variant Classification Summary - May 2015. Collection method: clinical testing. Allele origin: germline.
Comment: Variant summary: The variant identified by MLPA or other technology involves the duplication of exon 3 in the BRCA1 gene. A presumed nomenclature of c.(80+1_81-1)_(134+1_135-1)dup has been designated for the purposes of this classification. It has been assumed that this is a tandem duplication in direct orientation (Richardson_GIM_2018, Neuman_AJHG_2015). The variant is predicted to cause an in-frame insertion of 18 amino acids and may disrupt the Zinc finger domain of BRCA1, which is required for heterodimerization with BARD1 (Concolino_2017). However, the exact breakpoints and biological consequences of this duplication are unknown. The variant was not found in approximately 21000 control chomosomes in the gnomAD structural variation database. c.(80+1_81-1)_(134+1_135-1)dup has been reported in the literature in individuals affected with Hereditary Breast and Ovarian Cancer (e.g. Sharifah_2010, Concolino_2018, Richardson_2018, Rebbeck_2018). These data indicate that the variant may be associated with disease. One ClinVar submitter (evaluation after 2014) cited the variant as pathogenic. Based on the evidence outlined above, the variant was classified as pathogenic.

Literature cited by the submitters: PubMed 24312913; PubMed 20451485; PubMed 29446198; PubMed 28488140; PubMed 29452958; PubMed 30054569.

NC_000017.11:g.(43106534_43115725)_(43115780_43124016)dup

Gene: BRCA1 (BRCA1 DNA repair associated; minus strand). Cytogenetic location: 17q21.31.
Variant type: Duplication.
Identifiers: ClinVar variation 982001 (VCV000982001.1).